The following is an entry in ClinVar:

ClinVar aggregate classification (germline): Likely benign. Review status: criteria provided, single submitter (1 of 4 stars). 2 submissions from 2 submitters: Likely benign (1). 1 of the submissions does not count toward it. Last evaluated 2025-10-11.

Conditions:
Hereditary cancer-predisposing syndrome. Also called: Hereditary Cancer Syndrome; Hereditary neoplastic syndrome; Tumor predisposition; Neoplastic Syndromes, Hereditary. Identifiers: Orphanet 140162, MedGen C0027672, MeSH D009386, MONDO:0015356.
Carcinoma of colon (CRC). Also called: Colonic carcinoma; Colon carcinoma. Identifiers: MedGen C0699790, MONDO:0002032.

Submissions (2):

Ambry Genetics
Classification: Likely benign for Hereditary cancer-predisposing syndrome. Last evaluated: 2025-10-11. Review status: criteria provided, single submitter. Criteria: Ambry Variant Classification Scheme 2023. Collection method: clinical testing. Allele origin: germline.

Department of Pathology and Laboratory Medicine, Sinai Health System
Classification: Uncertain significance for Carcinoma of colon. Review status: no assertion criteria provided. Collection method: clinical testing. Allele origin: unknown. Affected: yes. Study: The Canadian Open Genetics Repository (COGR). Not counted in ClinVar's aggregate classification.
Comment: The APC p.Phe458= variant was not identified in the literature nor was it identified in the dbSNP, ClinVar, COGR, Cosmic, MutDB, LOVD 3.0, UMD-LSDB, or Zhejiang University databases. The variant was not identified in the following control databases: the Exome Aggregation Consortium (August 8th 2016), or the Genome Aggregation Database (Feb 27, 2017). The p.Phe458= variant is not expected to have clinical significance because it does not result in a change of amino acid and is not located in a known consensus splice site. In addition, in silico or computational prediction software programs (SpliceSiteFinder, MaxEntScan, NNSPLICE, GeneSplicer, HumanSpliceFinder) do not predict a difference in splicing. In summary, based on the above information the clinical significance of this variant cannot be determined with certainty at this time. This variant is classified as a variant of uncertain significance.

NM_000038.6(APC):c.1374T>C (p.Phe458=)

Gene: APC (APC regulator of Wnt signaling pathway; plus strand). Cytogenetic location: 5q22.2.
Variant type: single nucleotide variant.
Coding change: c.1374T>C on transcript NM_000038.6 (MANE Select); coding-DNA position 1374, T replaced by C.
Protein change: p.Phe458=; no amino-acid change (phenylalanine 458 retained).
Molecular consequence: synonymous variant.
Genome position (GRCh38, 1-based): chr5:112,821,957, T>C. VCF-style: chr5-112821957-T-C. GRCh37 (hg19) VCF-style: chr5-112157654-T-C.
Other names: c.1374T>C, p.Phe458= (NM_001127510.3, NM_001354895.2, NM_001354896.2); c.1320T>C, p.Phe440= (NM_001127511.3); c.1404T>C, p.Phe468= (NM_001354897.2); c.1299T>C, p.Phe433= (NM_001354898.2); c.1290T>C, p.Phe430= (NM_001354899.2); c.1197T>C, p.Phe399= (NM_001354900.2, NM_001354901.2); c.1101T>C, p.Phe367= (NM_001354902.2); c.1071T>C, p.Phe357= (NM_001354903.2); and 4 more.
Identifiers: ClinVar variation 1049891 (VCV001049891.2), dbSNP rs2149792451, ClinGen allele CA445755871.